The following is an entry in ClinVar:

NM_000548.5(TSC2):c.5161-37_5161-16del

Gene: TSC2 (TSC complex subunit 2; plus strand). Cytogenetic location: 16p13.3.
Variant type: Deletion.
Coding change: c.5161-37_5161-16del on transcript NM_000548.5 (MANE Select); 37 bases into the intron before coding-DNA position 5161 through 16 bases into the intron before coding-DNA position 5161, 22 bases deleted (ACCTGATAGTGAGCTCACCCCC).
Molecular consequence: intron variant.
Genome position (GRCh38, 1-based): chr16:2,088,190-2,088,211, ACCTGATAGTGAGCTCACCCCC deleted; deleting any 22 consecutive bases within chr16:2,088,188-2,088,211 gives the same sequence; the c. name uses the placement nearest the transcript's 3' end. VCF-style (leftmost placement, unchanged base first): chr16-2088187-GCCACCTGATAGTGAGCTCACCC-G. GRCh37 (hg19) VCF-style: chr16-2138188-GCCACCTGATAGTGAGCTCACCC-G.
Other names: c.4960-37_4960-16del (NM_001077183.3); c.3619-37_3619-16del (NM_001406694.1, NM_001406693.1, NM_001406692.1); c.3616-37_3616-16del (NM_001406695.1, NM_001406696.1, NM_001406697.1); c.4951-37_4951-16del (NM_001406671.1); c.4948-37_4948-16del (NM_001406673.1); c.4501-37_4501-16del (NM_001406681.1); c.4981-37_4981-16del (NM_001406670.1); c.4852-37_4852-16del (NM_001318827.2); and 27 more.
Identifiers: ClinVar variation 3724816 (VCV003724816.2).

ClinVar aggregate classification (germline): Likely pathogenic (1 of 4 stars; one submission).

Conditions:
Tuberous sclerosis 2 (TSC2). Identifiers: Orphanet 805, MedGen C1860707, MONDO:0013199, OMIM 613254.

Submission:

Labcorp Genetics (formerly Invitae), Labcorp
Classification: Likely pathogenic for Tuberous sclerosis 2. Last evaluated: 2024-11-22. Review status: criteria provided, single submitter. Criteria: Invitae Variant Classification Sherloc (09022015). Collection method: clinical testing. Allele origin: germline.
Comment: This sequence change falls in intron 40 of the TSC2 gene. It does not directly change the encoded amino acid sequence of the TSC2 protein. This variant is not present in population databases (gnomAD no frequency). This variant has been observed in individual(s) with tuberous sclerosis complex (internal data). In at least one individual the variant was observed to be de novo. Experimental studies and prediction algorithms are not available or were not evaluated, and the effect of this variant on mRNA splicing is currently unknown. In summary, the currently available evidence indicates that the variant is pathogenic, but additional data are needed to prove that conclusively. Therefore, this variant has been classified as Likely Pathogenic.